The following is an entry in ClinVar:

NM_000071.3(CBS):c.494G>A (p.Cys165Tyr)

Gene: CBS (cystathionine beta-synthase; minus strand). Cytogenetic location: 21q22.3.
Variant type: single nucleotide variant.
Coding change: c.494G>A on transcript NM_000071.3 (MANE Select); coding-DNA position 494, G replaced by A.
Protein change: p.Cys165Tyr; replaces cysteine 165 with tyrosine.
Molecular consequence: missense variant.
Genome position (GRCh38, 1-based): chr21:43,065,653, C>T on the plus strand (G>A on the coding strand, the complement: CBS is on the minus strand). VCF-style: chr21-43065653-C-T. GRCh37 (hg19) VCF-style: chr21-44485763-C-T.
Other names: c.494G>A, p.Cys165Tyr (NM_001178008.3, NM_001178009.3, NM_001320298.2); c.179G>A, p.Cys60Tyr (NM_001321072.1); short protein forms C165Y, C60Y.
Identifiers: ClinVar variation 495531 (VCV000495531.18), dbSNP rs1347651454, ClinGen allele CA410601403.

ClinVar aggregate classification (germline): Pathogenic. Review status: criteria provided, multiple submitters, no conflicts (2 of 4 stars). 5 submissions from 5 submitters: Pathogenic (5). Last evaluated 2023-12-11.

Conditions:
Classic homocystinuria. Also called: Homocystinuria due to Cystathionine Beta-Synthase Deficiency; Homocystinuria due to CBS deficiency; Cystathionine beta-synthase deficiency; CBS deficiency; HOMOCYSTINURIA WITH OR WITHOUT RESPONSE TO PYRIDOXINE. Identifiers: Orphanet 394, MedGen C0751202, MONDO:0009352, OMIM 236200.
Familial thoracic aortic aneurysm and aortic dissection (TAAD). Also called: Thoracic aortic aneurysms and dissections. Identifiers: Orphanet 91387, MedGen C4707243, MONDO:0019625.
Homocystinuria. Identifiers: MedGen C0019880, MONDO:0004737, HP:0002156.
HYPERHOMOCYSTEINEMIA, THROMBOTIC, CBS-RELATED. Identifiers: MedGen C3150344, OMIM 236200.

Allele frequency attached by ClinVar (database versions not stated): gnomAD exomes 0.00001.

Submissions (5):

Labcorp Genetics (formerly Invitae), Labcorp
Classification: Pathogenic for HYPERHOMOCYSTEINEMIA, THROMBOTIC, CBS-RELATED. Last evaluated: 2023-12-11. Review status: criteria provided, single submitter. Criteria: Invitae Variant Classification Sherloc (09022015). Collection method: clinical testing. Allele origin: germline.
Comment: This sequence change replaces cysteine, which is neutral and slightly polar, with tyrosine, which is neutral and polar, at codon 165 of the CBS protein (p.Cys165Tyr). The frequency data for this variant in the population databases is considered unreliable, as metrics indicate poor data quality at this position in the gnomAD database. This missense change has been observed in individual(s) with homocystinuria (PMID: 7635485, 10215408, 10364517, 12124992, 18708589, 20567906). It has also been observed to segregate with disease in related individuals. ClinVar contains an entry for this variant (Variation ID: 495531). Advanced modeling of protein sequence and biophysical properties (such as structural, functional, and spatial information, amino acid conservation, physicochemical variation, residue mobility, and thermodynamic stability) performed at Invitae indicates that this missense variant is expected to disrupt CBS protein function with a positive predictive value of 95%. Experimental studies have shown that this missense change affects CBS function (PMID: 10215408, 11359213, 20490928, 20506325, 22267502). For these reasons, this variant has been classified as Pathogenic.

Baylor Genetics
Classification: Pathogenic for Classic homocystinuria. Last evaluated: 2023-09-07. Review status: criteria provided, single submitter. Criteria: ACMG Guidelines, 2015. Collection method: clinical testing. Allele origin: unknown.

Centre of Medical Genetics, University Hospital Muenster
Classification: Pathogenic. Last evaluated: 2021-12-16. Review status: criteria provided, single submitter. Criteria: ACMG Guidelines, 2015. Collection method: clinical testing. Allele origin: unknown. Affected: yes. Observed: 1 variant allele, 1 heterozygote.
Comment: ACMG categories: PS3,PM1,PM2,PP1,PP3,PP5

Women's Health and Genetics/Laboratory Corporation of America, LabCorp
Classification: Pathogenic for Homocystinuria. Last evaluated: 2017-08-24. Review status: criteria provided, single submitter. Criteria: LabCorp Variant Classification Summary - May 2015. Collection method: clinical testing. Allele origin: germline.
Comment: Variant summary: The CBS c.494G>A (p.Cys165Tyr) variant causes a missense change involving the alteration of a conserved nucleotide located in the Tryptophan synthase beta subunit-like PLP-dependent enzyme domain.. 5/5 in silico tools predict a damaging outcome for this variant. An enzymatic assay using yeast showed non-functional CBS enzyme associated with this variant (Mayfield_2012), and in at least one patient homozygous for the variant, activity in fibroblasts was non-detectable (Kluijtmans_1999). This variant was not found in the large control database ExAC in 29004 control chromosomes and was reported in multiple patients with homocystinuria (Kluijtmans_1999, Magner_2011). Taken together, this variant is classified as pathogenic.

Ambry Genetics
Classification: Pathogenic for Familial thoracic aortic aneurysm and aortic dissection. Last evaluated: 2016-10-26. Review status: criteria provided, single submitter. Criteria: Ambry Variant Classification Scheme 2023. Collection method: clinical testing. Allele origin: germline.
Comment: The p.C165Y pathogenic mutation (also known as c.494G>A), located in coding exon 4 of the CBS gene, results from a G to A substitution at nucleotide position 494. The cysteine at codon 165 is replaced by tyrosine, an amino acid with highly dissimilar properties. This alteration has been previously reported as detected in the homozygous state and compound heterozygous state with other mutations in individuals with CBS deficiency or homocystinuria (Kluijtmans LA et al. Hum Genet. 1995;96:249-50; Kluijtmans LA et al. Am J Hum Genet. 1999;65(1):59-67; Janos&iacute;k M et al. Am J Hum Genet. 2001;68:1506-13; Gaustadnes M et al. Hum Mutat. 2002;20:117-26; Magner M et al. J Inherit Metab Dis. 2011;34:33-7; Mayfield JA et al. Genetics. 2012;190:1309-23). In addition, fibroblasts derived from patients homozygous for this alteration have deficient CBS activity, and this variant results in reduced enzyme activity in multiple other in vitro studies (Gordon RB et al. Hum Mutat. 1998;11:332; Kluijtmans LA et al. Am J Hum Genet. 1999;65(1):59-67; Janos&iacute;k M et al. Am J Hum Genet. 2001;68:1506-13; Mayfield JA et al. Genetics. 2012;190:1309-23; Melenovsk&aacute; P et al. J Inherit Metab Dis. 2015;38:287-94). Based on the supporting evidence, this alteration is interpreted as a disease-causing mutation.

Literature cited by the submitters: PubMed 7635485 (cited by Labcorp Genetics (formerly Invitae), Labcorp and Ambry Genetics); PubMed 10215408 (cited by Labcorp Genetics (formerly Invitae), Labcorp and Ambry Genetics); PubMed 10364517 (cited by Labcorp Genetics (formerly Invitae), Labcorp and Women's Health and Genetics/Laboratory Corporation of America, LabCorp); PubMed 12124992 (cited by Labcorp Genetics (formerly Invitae), Labcorp and Ambry Genetics); PubMed 18708589 (cited by Labcorp Genetics (formerly Invitae), Labcorp and Ambry Genetics); PubMed 20567906 (cited by Labcorp Genetics (formerly Invitae), Labcorp and Ambry Genetics); PubMed 11359213 (cited by Labcorp Genetics (formerly Invitae), Labcorp and Ambry Genetics); PubMed 20490928 (cited by Labcorp Genetics (formerly Invitae), Labcorp); PubMed 20506325 (cited by Labcorp Genetics (formerly Invitae), Labcorp and Ambry Genetics); PubMed 22267502 (cited by 3 submitters); PubMed 25331909 (cited by Ambry Genetics).